The following is an entry in ClinVar:

ClinVar aggregate classification (germline): Uncertain significance. Review status: criteria provided, multiple submitters, no conflicts (2 of 4 stars). 2 submissions from 2 submitters: Uncertain significance (2). Last evaluated 2023-11-18.

Conditions:
KMT5B-related disorder. Also called: KMT5B-related condition.

Allele frequency attached by ClinVar (database versions not stated): gnomAD exomes below 0.00001.
gnomAD v4.1: 1 of 1,566,146 alleles (0.000064%); highest among the groups gnomAD compares: Non-Finnish European, 0.000086%; no homozygotes.

Submissions (2):

GeneDx
Classification: Uncertain significance. Last evaluated: 2023-11-18. Review status: criteria provided, single submitter. Criteria: GeneDx Variant Classification Process June 2021. Collection method: clinical testing. Allele origin: germline. Affected: yes.
Comment: Not observed at significant frequency in large population cohorts (gnomAD); In silico analysis supports that this missense variant does not alter protein structure/function; Has not been previously published as pathogenic or benign to our knowledge

PreventionGenetics, part of Exact Sciences
Classification: Uncertain significance for KMT5B-related condition. Last evaluated: 2022-12-30. Review status: criteria provided, single submitter. Criteria: ACMG Guidelines, 2015. Collection method: clinical testing. Allele origin: germline.
Comment: The KMT5B c.1182C>G variant is predicted to result in the amino acid substitution p.Asn394Lys. To our knowledge, this variant has not been reported in the literature or in a large population database, indicating this variant is rare. At this time, the clinical significance of this variant is uncertain due to the absence of conclusive functional and genetic evidence.

NM_017635.5(KMT5B):c.1182C>G (p.Asn394Lys)

Gene: KMT5B (lysine methyltransferase 5B; minus strand). Cytogenetic location: 11q13.2.
Variant type: single nucleotide variant.
Coding change: c.1182C>G on transcript NM_017635.5 (MANE Select); coding-DNA position 1182, C replaced by G.
Protein change: p.Asn394Lys; replaces asparagine 394 with lysine.
Molecular consequence: missense variant.
Genome position (GRCh38, 1-based): chr11:68,159,164, G>C on the plus strand (C>G on the coding strand, the complement: KMT5B is on the minus strand). VCF-style: chr11-68159164-G-C. GRCh37 (hg19) VCF-style: chr11-67926631-G-C.
Other names: c.666C>G, p.Asn222Lys (NM_001300907.1, NM_001369428.1, NM_001369429.1 and 4 more transcripts); c.462C>G, p.Asn154Lys (NM_001300908.2); c.1182C>G, p.Asn394Lys (NM_001369426.1); c.1182C>G (NM_017635.3); short protein forms N154K, N222K, N394K.
Identifiers: ClinVar variation 2630106 (VCV002630106.2), dbSNP rs2496210256, ClinGen allele CA381595579.
Genomic context (GRCh38, chr11:68,159,164, plus strand): 5'-AGATTGCCTCGTTAACGTTCTGCTCTTGCTATTCTTTTTTACGCCAACTGAAGATTTTCG[G>C]TTAGAAGCTGTAAGGTTAAAGAGAAAAAGGTGAAAAGCCTTGGTAACAGCAGAGTTCAAG-3'
Protein context (NP_060105.3, residues 384-404): TTQEKNNATS[Asn394Lys]RKSSVGVKKN